The following is an entry in ClinVar:

NM_014264.5(PLK4):c.1873A>C (p.Lys625Gln)

Gene: PLK4 (polo like kinase 4; plus strand). Cytogenetic location: 4q28.1.
Variant type: single nucleotide variant.
Coding change: c.1873A>C on transcript NM_014264.5 (MANE Select); coding-DNA position 1873, A replaced by C.
Protein change: p.Lys625Gln; replaces lysine 625 with glutamine.
Molecular consequence: missense variant.
Genome position (GRCh38, 1-based): chr4:127,891,134, A>C. VCF-style: chr4-127891134-A-C. GRCh37 (hg19) VCF-style: chr4-128812289-A-C.
Other names: c.1777A>C, p.Lys593Gln (NM_001190799.2); c.1750A>C, p.Lys584Gln (NM_001190801.2); short protein forms K593Q, K625Q, K584Q.
Identifiers: ClinVar variation 1514838 (VCV001514838.6), dbSNP rs2148821509, ClinGen allele CA358157895.
Genomic context (GRCh38, chr4:127,891,134, plus strand): 5'-GGTTTTTTTTTTTTTTAGGTGAGCATACTTGATTCAGAGGAGGTGTGTGTGGAGCTTGTA[A>C]AGGAGTATGCATCTCAAGAATATGTGAAAGAAGTTCTTCAGATATCTAGTGATGGAAATA-3'
Protein context (NP_055079.3, residues 615-635): DSEEVCVELV[Lys625Gln]EYASQEYVKE

ClinVar aggregate classification (germline): Uncertain significance (1 of 4 stars; one submission).

gnomAD v4.1: 1 of 1,601,426 alleles (0.000062%); highest among the groups gnomAD compares: African/African-American, 0.0013%; no homozygotes.

Submission:

Labcorp Genetics (formerly Invitae), Labcorp
Classification: Uncertain significance. Last evaluated: 2021-08-23. Review status: criteria provided, single submitter. Criteria: Invitae Variant Classification Sherloc (09022015). Collection method: clinical testing. Allele origin: germline.
Comment: This variant has not been reported in the literature in individuals affected with PLK4-related conditions. This variant is not present in population databases (ExAC no frequency). Algorithms developed to predict the effect of missense changes on protein structure and function are either unavailable or do not agree on the potential impact of this missense change (SIFT: "Deleterious"; PolyPhen-2: "Possibly Damaging"; Align-GVGD: "Class C0"). This sequence change replaces lysine with glutamine at codon 625 of the PLK4 protein (p.Lys625Gln). The lysine residue is highly conserved and there is a small physicochemical difference between lysine and glutamine. In summary, the available evidence is currently insufficient to determine the role of this variant in disease. Therefore, it has been classified as a Variant of Uncertain Significance.